The following is an entry in ClinVar:

NM_000368.5(TSC1):c.218T>A (p.Leu73Ter)

Gene: TSC1 (TSC complex subunit 1; minus strand). Cytogenetic location: 9q34.13.
Variant type: single nucleotide variant.
Coding change: c.218T>A on transcript NM_000368.5 (MANE Select); coding-DNA position 218, T replaced by A.
Protein change: p.Leu73Ter; replaces leucine 73 with a stop codon.
Molecular consequence: nonsense. On other transcripts: 5 prime UTR variant (1), intron variant (1).
Genome position (GRCh38, 1-based): chr9:132,925,732, A>T on the plus strand (T>A on the coding strand, the complement: TSC1 is on the minus strand). VCF-style: chr9-132925732-A-T. GRCh37 (hg19) VCF-style: chr9-135801119-A-T.
Other names: c.218T>A, p.Leu73Ter (NM_001162426.2); c.-146T>A (NM_001362177.2); c.210+1469T>A (NM_001162427.2); short protein forms L73*.
Identifiers: ClinVar variation 957164 (VCV000957164.7), dbSNP rs1846822085, ClinGen allele CA375374863.

ClinVar aggregate classification (germline): Pathogenic (1 of 4 stars; one submission).

Conditions:
Tuberous sclerosis 1 (TSC1). Identifiers: Orphanet 805, MedGen C1854465, MONDO:0008612, OMIM 191100.

Submission:

Labcorp Genetics (formerly Invitae), Labcorp
Classification: Pathogenic for Tuberous sclerosis 1. Last evaluated: 2019-11-03. Review status: criteria provided, single submitter. Criteria: Invitae Variant Classification Sherloc (09022015). Collection method: clinical testing. Allele origin: germline.
Comment: For these reasons, this variant has been classified as Pathogenic. Loss-of-function variants in TSC1 are known to be pathogenic (PMID: 10227394, 17304050). This sequence change creates a premature translational stop signal (p.Leu73*) in the TSC1 gene. It is expected to result in an absent or disrupted protein product. This variant is not present in population databases (ExAC no frequency). Algorithms developed to predict the effect of sequence changes on RNA splicing suggest that this variant may create or strengthen a splice site, but this prediction has not been confirmed by published transcriptional studies. This variant has not been reported in the literature in individuals with TSC1-related conditions.

Literature cited by the submitters: PubMed 10227394; PubMed 17304050.